The following is an entry in ClinVar:

ClinVar aggregate classification (germline): Uncertain significance (1 of 4 stars; one submission).

Conditions:
Fanconi-Bickel syndrome (FBS). Also called: FANCONI SYNDROME WITH INTESTINAL MALABSORPTION AND GALACTOSE INTOLERANCE; HEPATIC GLYCOGENOSIS WITH AMINO ACIDURIA AND GLUCOSURIA; HEPATIC GLYCOGENOSIS WITH FANCONI NEPHROPATHY; HEPATORENAL GLYCOGENOSIS WITH RENAL FANCONI SYNDROME; Glycogen storage disease due to GLUT2 deficiency; PSEUDO-PHLORIZIN DIABETES. Identifiers: Orphanet 2088, MedGen C3495427, MONDO:0009216, OMIM 227810.

Submission:

Labcorp Genetics (formerly Invitae), Labcorp
Classification: Uncertain significance for Fanconi-Bickel syndrome. Last evaluated: 2022-10-13. Review status: criteria provided, single submitter. Criteria: Invitae Variant Classification Sherloc (09022015). Collection method: clinical testing. Allele origin: germline.
Comment: This sequence change replaces serine, which is neutral and polar, with arginine, which is basic and polar, at codon 397 of the SLC2A2 protein (p.Ser397Arg). This variant is not present in population databases (gnomAD no frequency). In summary, the available evidence is currently insufficient to determine the role of this variant in disease. Therefore, it has been classified as a Variant of Uncertain Significance. Advanced modeling of protein sequence and biophysical properties (such as structural, functional, and spatial information, amino acid conservation, physicochemical variation, residue mobility, and thermodynamic stability) performed at Invitae indicates that this missense variant is not expected to disrupt SLC2A2 protein function. ClinVar contains an entry for this variant (Variation ID: 1475879). This variant has not been reported in the literature in individuals affected with SLC2A2-related conditions.

NM_000340.2(SLC2A2):c.1191T>G (p.Ser397Arg)

Gene: SLC2A2 (solute carrier family 2 member 2; minus strand). Cytogenetic location: 3q26.2.
Variant type: single nucleotide variant.
Coding change: c.1191T>G on transcript NM_000340.2 (MANE Select); coding-DNA position 1191, T replaced by G.
Protein change: p.Ser397Arg; replaces serine 397 with arginine.
Molecular consequence: missense variant.
Genome position (GRCh38, 1-based): chr3:170,998,376, A>C on the plus strand (T>G on the coding strand, the complement: SLC2A2 is on the minus strand). VCF-style: chr3-170998376-A-C. GRCh37 (hg19) VCF-style: chr3-170716165-A-C.
Other names: c.834T>G, p.Ser278Arg (NM_001278658.2); c.672T>G, p.Ser224Arg (NM_001278659.2); short protein forms S224R, S278R, S397R.
Identifiers: ClinVar variation 1475879 (VCV001475879.6), dbSNP rs2108233305, ClinGen allele CA355486047.